The following is an entry in ClinVar:

ClinVar aggregate classification (germline): Pathogenic (1 of 4 stars; one submission).

Conditions:
CUL3-related disorder. Also called: CUL3-related condition; CUL3-related disorders.

Submission:

Women's Health and Genetics/Laboratory Corporation of America, LabCorp
Classification: Pathogenic for CUL3-Related Disorders. Last evaluated: 2026-05-22. Review status: criteria provided, single submitter. Criteria: LabCorp Variant Classification Summary - May 2015. Collection method: clinical testing. Allele origin: germline.
Comment: Variant summary: CUL3 c.659_662dupAAAG (p.Ser221ArgfsX10) results in a premature termination codon, predicted to cause a truncation of the encoded protein or absence of the protein due to nonsense mediated decay, which are commonly known mechanisms for disease. The variant was absent in 223644 control chromosomes. To our knowledge, no occurrence of c.659_662dupAAAG in individuals affected with CUL3-related conditions and no experimental evidence demonstrating its impact on protein function have been reported. No submitters have cited clinical-significance assessments for this variant to ClinVar. Based on the evidence outlined above, the variant was classified as pathogenic.

NM_003590.5(CUL3):c.659_662dup (p.Ser221fs)

Gene: CUL3 (cullin 3; minus strand). Cytogenetic location: 2q36.2.
Variant type: Duplication.
Coding change: c.659_662dup on transcript NM_003590.5 (MANE Select); coding-DNA positions 659 to 662, 4 bases duplicated (AAAG; older notation c.659_662dupAAAG).
Protein change: p.Ser221fs; shifts the reading frame from serine 221.
Molecular consequence: frameshift variant.
Genome position (GRCh38, 1-based): chr2:224,511,575-224,511,578, CTTT duplicated on the plus strand (AAAG on the coding strand, the reverse complement: CUL3 is on the minus strand); duplicating any 4 consecutive bases within chr2:224,511,575-224,511,579 gives the same sequence; the c. name uses the placement nearest the transcript's 3' end. VCF-style (leftmost placement, unchanged base first): chr2-224511574-G-GCTTT. GRCh37 (hg19) VCF-style: chr2-225376291-G-GCTTT.
Other names: c.461_464dup, p.Ser155fs (NM_001257197.2); c.677_680dup, p.Ser227fs (NM_001257198.2); c.659_662dupAAAG (NM_003590.5); short protein forms S155fs, S221fs, S227fs.
Identifiers: ClinVar variation 4853697 (VCV004853697.1).
Genomic context (GRCh38, chr2:224,511,574, plus strand): 5'-AATTCTAGCTTCTACTTTCTTTATATATACTGAAGCACTATTTTCTGCTAAAAATTTCTG[G>GCTTT]CTTTCCATCTGCCATTTAAAAATATATATATTTTTTAAACATAGAAGAAAAGAGTGTTTT-3'